The following is an entry in ClinVar:

NM_004208.4(AIFM1):c.1047C>T (p.Ser349=)

Genes: AIFM1 (apoptosis inducing factor mitochondria associated 1; minus strand), RAB33A (RAB33A, member RAS oncogene family; plus strand). Cytogenetic location: Xq26.1.
Variant type: single nucleotide variant.
Coding change: c.1047C>T on transcript NM_004208.4 (MANE Select); coding-DNA position 1047, C replaced by T.
Protein change: p.Ser349=; no amino-acid change (serine 349 retained).
Molecular consequence: synonymous variant. On other transcripts: 3 prime UTR variant (1), non-coding transcript variant (1).
Genome position (GRCh38, 1-based): chrX:130,137,106, G>A on the plus strand (C>T on the coding strand, the complement: AIFM1 is on the minus strand). VCF-style: chrX-130137106-G-A. GRCh37 (hg19) VCF-style: chrX-129271081-G-A.
Other names: p.S349S:AGC>AGT; c.30C>T, p.Ser10= (NM_001130846.4); c.*275C>T (NM_001130847.4); c.1035C>T, p.Ser345= (NM_145812.3).
Identifiers: ClinVar variation 214080 (VCV000214080.39), dbSNP rs781350745, ClinGen allele CA321541.
Genomic context (GRCh38, chrX:130,137,106, plus strand): 5'-AGAGTGGCAGCATATAGAAACAGTCTCTCTACCTCGTCTGACTTTTTCCATGGTCCAGTT[G>A]CTGAGGTATTCGGGGAGGATCTTTCCCATATTTCCTTTCTCGGGGAAGAGTTGAATCACT-3'
Protein context (NP_004199.1, residues 339-359): NMGKILPEYL[Ser349=]NWTMEKVRRE

ClinVar aggregate classification (germline): Benign/Likely benign. Review status: criteria provided, multiple submitters, no conflicts (2 of 4 stars). 6 submissions from 6 submitters: Benign (1); Likely benign (5). Last evaluated 2026-06-01.

Conditions:
Combined oxidative phosphorylation deficiency. Identifiers: MedGen C4540031, MONDO:0000732.
Charcot-Marie-Tooth Neuropathy X. Identifiers: MedGen CN118851.
Charcot-Marie-Tooth disease. Also called: Charcot-Marie-Tooth Hereditary Neuropathy; Charcot-Marie-Tooth Neuropathy. Identifiers: Orphanet 166, MedGen C0007959, MONDO:0015626.
Inborn genetic diseases. Identifiers: MedGen C0950123, MeSH D030342.
Severe X-linked mitochondrial encephalomyopathy. Also called: ENCEPHALOMYOPATHY, MITOCHONDRIAL, X-LINKED. Identifiers: Orphanet 238329, MedGen C3151753, MONDO:0010437, OMIM 300816.

Allele frequency attached by ClinVar (database versions not stated): TOPMed 0.00006; ExAC 0.00007; gnomAD 0.00007 and 0.00009; gnomAD exomes 0.00007 and 0.00020.
gnomAD v4.1: 223 of 1,209,590 alleles (0.018%); highest among the groups gnomAD compares: Non-Finnish European, 0.023%; no homozygotes.

Submissions (6):

CeGaT Center for Human Genetics Tuebingen
Classification: Likely benign. Last evaluated: 2026-06-01. Review status: criteria provided, single submitter. Criteria: CeGaT Center For Human Genetics Tuebingen Variant Classification Criteria Version 2. Collection method: clinical testing. Allele origin: germline. Affected: yes. Observed: 3 variant alleles.
Comment: AIFM1: BP4, BS2

Labcorp Genetics (formerly Invitae), Labcorp
Classification: Likely benign for Charcot-Marie-Tooth Neuropathy X; Combined oxidative phosphorylation deficiency. Last evaluated: 2026-01-22. Review status: criteria provided, single submitter. Criteria: Invitae Variant Classification Sherloc (09022015). Collection method: clinical testing. Allele origin: germline.

Ambry Genetics
Classification: Likely benign for Inborn genetic diseases. Last evaluated: 2019-07-11. Review status: criteria provided, single submitter. Criteria: Ambry Variant Classification Scheme 2023. Collection method: clinical testing. Allele origin: germline.

Illumina Laboratory Services, Illumina
Classification: Likely benign for Severe X-linked mitochondrial encephalomyopathy. Last evaluated: 2018-01-13. Review status: criteria provided, single submitter. Criteria: ICSL Variant Classification Criteria 13 December 2019. Collection method: clinical testing. Allele origin: germline.
Comment: This variant was observed in the ICSL laboratory as part of a predisposition screen in an ostensibly healthy population. It had not been previously curated by ICSL or reported in the Human Gene Mutation Database (HGMD: prior to June 1st, 2018), and was therefore a candidate for classification through an automated scoring system. Utilizing variant allele frequency, disease prevalence and penetrance estimates, and inheritance mode, an automated score was calculated to assess if this variant is too frequent to cause the disease. Based on the score and internal cut-off values, a variant classified as likely benign is not then subjected to further curation. The score for this variant resulted in a classification of likely benign for this disease.

GeneDx
Classification: Benign. Last evaluated: 2014-12-29. Review status: criteria provided, single submitter. Criteria: GeneDx Variant Classification (06012015). Collection method: clinical testing. Allele origin: germline. Affected: yes.
Comment: This variant is considered likely benign or benign based on one or more of the following criteria: it is a conservative change, it occurs at a poorly conserved position in the protein, it is predicted to be benign by multiple in silico algorithms, and/or has population frequency not consistent with disease.

Molecular Genetics Laboratory, London Health Sciences Centre
Classification: Likely benign for Charcot-Marie-Tooth disease. Review status: criteria provided, single submitter. Criteria: ACMG Guidelines, 2015. Collection method: clinical testing. Allele origin: germline. Affected: yes.